The following is an entry in ClinVar:

NM_001009944.3(PKD1):c.3994G>A (p.Asp1332Asn)

Gene: PKD1 (polycystin 1, transient receptor potential channel interacting; minus strand). Cytogenetic location: 16p13.3.
Variant type: single nucleotide variant.
Coding change: c.3994G>A on transcript NM_001009944.3 (MANE Select); coding-DNA position 3994, G replaced by A.
Protein change: p.Asp1332Asn; replaces aspartic acid 1332 with asparagine.
Molecular consequence: missense variant.
Genome position (GRCh38, 1-based): chr16:2,111,173, C>T on the plus strand (G>A on the coding strand, the complement: PKD1 is on the minus strand). VCF-style: chr16-2111173-C-T. GRCh37 (hg19) VCF-style: chr16-2161174-C-T.
Other names: c.3994G>A, p.Asp1332Asn (NM_000296.4); short protein forms D1332N.
Identifiers: ClinVar variation 972857 (VCV000972857.7), dbSNP rs773388081, ClinGen allele CA7832539.

ClinVar aggregate classification (germline): Conflicting classifications of pathogenicity. Review status: criteria provided, conflicting classifications (1 of 4 stars). 4 submissions from 4 submitters: Uncertain significance (3); Likely benign (1). Last evaluated 2026-10-02.

Conditions:
PKD1-related disorder. Also called: PKD1-related condition.
Polycystic kidney disease, adult type (PKD1). Also called: Polycystic Kidney Disease 1, Autosomal Dominant; Polycystic kidney disease 1; Polycystic kidney disease 1, severe; Polycystic Kidney, Autosomal Dominant; POLYCYSTIC KIDNEY DISEASE, ADULT, TYPE I; POLYCYSTIC KIDNEY DISEASE 1 WITH OR WITHOUT POLYCYSTIC LIVER DISEASE. Identifiers: MedGen C3149841, MONDO:0008263, OMIM 173900.

Allele frequency attached by ClinVar (database versions not stated): gnomAD exomes 0.00022 and 0.00012; ExAC 0.00012; gnomAD 0.00013 and 0.00015; TOPMed 0.00018.

Submissions (4):

GeneDx
Classification: Uncertain significance. Last evaluated: 2026-10-02. Review status: criteria provided, single submitter. Criteria: GeneDx Variant Classification Process June 2021. Collection method: clinical testing. Allele origin: germline.
Comment: In silico analysis supports that this missense variant has a deleterious effect on protein structure/function; This variant is associated with the following publications: (PMID: 27499327, 37372410, 36706243, 22383692, 33437033, 35497784, 41317153)

PreventionGenetics, part of Exact Sciences
Classification: Uncertain significance for PKD1-related condition. Last evaluated: 2025-09-05. Review status: criteria provided, single submitter. Criteria: ACMG Guidelines, 2015. Collection method: clinical testing. Allele origin: germline.
Comment: The PKD1 c.3994G>A variant is predicted to result in the amino acid substitution p.Asp1332Asn. This variant has been reported in trans with a pathogenic PKD1 variant in individuals or fetuses with early onset polycystic kidney disease (PKD) (Audrézet et al. 2016. PubMed ID: 26139440; Izzi et al. 2022. PubMed ID: 35497784; Gulati et al. 2023. PubMed ID: 36706243). In addition, this configuration (this missense variant in trans with a pathogenic PKD1 variant) has been previously seen in unrelated patients with early onset (younger than 5-year-old as of testing) PKD at PreventionGenetics (internal data). This variant alone likely does not cause PKD, but may act as a hypomorphic allele or modifier contributing to the severity of PKD when present in trans with a pathogenic PKD1 variant. Of note, this variant alone was reported in an adult patient affected by atypical PKD without enlarged kidneys or family history of PKD (Table S3, Mallawaarachchi et al. 2021. PubMed ID: 33437033). This variant is reported in 0.32% of alleles in individuals of Ashkenazi Jewish descent in gnomAD, but no homozygotes are documented. Therefore this variant is interpreted as a likely hypomorphic allele within the category of variants of uncertain significance.

Department of Pathology and Laboratory Medicine, Sinai Health System
Classification: Likely benign for Polycystic kidney disease, adult type. Last evaluated: 2022-03-24. Review status: criteria provided, single submitter. Criteria: ACMG Guidelines, 2015. Collection method: research. Allele origin: germline.

Molecular Genetics of Inherited Kidney Disorders Laboratory, Garvan Institute of Medical Research
Classification: Uncertain significance. Last evaluated: 2019-01-01. Review status: criteria provided, single submitter. Criteria: ACMG Guidelines, 2015. Collection method: clinical testing. Allele origin: germline. Affected: yes.